The following is an entry in ClinVar:

ClinVar aggregate classification (germline): Pathogenic (1 of 4 stars; one submission).

Submission:

GeneDx
Classification: Pathogenic. Last evaluated: 2015-09-11. Review status: criteria provided, single submitter. Criteria: GeneDx Variant Classification (06012015). Collection method: clinical testing. Allele origin: germline. Affected: yes.
Comment: The c.1726_1727insT insertion in the EXT1 gene causes a frameshift starting with codon Aspartic acid 576, changes this amino acid to a Valine residue and creates a premature Stop codon at position 12 of the new reading frame, denoted p.Asp576ValfsX12. This variant is predicted to cause loss of normal protein function either through protein truncation or nonsense-mediated mRNA decay. Although this insertion has not been previously reported to our knowledge, we interpret it to be a pathogenic variant.

NM_000127.3(EXT1):c.1726_1727insT (p.Asp576fs)

Gene: EXT1 (exostosin glycosyltransferase 1; minus strand). Cytogenetic location: 8q24.11.
Variant type: Insertion.
Coding change: c.1726_1727insT on transcript NM_000127.3 (MANE Select); coding-DNA positions 1726 to 1727, T inserted.
Protein change: p.Asp576fs; shifts the reading frame from aspartic acid 576.
Molecular consequence: frameshift variant.
Genome position: GRCh38 VCF-style: chr8-117807373-T-TA. GRCh37 (hg19) VCF-style: chr8-118819612-T-TA.
Other names: short protein forms D576fs.
Identifiers: ClinVar variation 419832 (VCV000419832.1), dbSNP rs1064794137, ClinGen allele CA16618587.